The following is an entry in ClinVar:

NM_017654.4(SAMD9):c.1265del (p.Pro422fs)

Gene: SAMD9 (sterile alpha motif domain containing 9; minus strand). Cytogenetic location: 7q21.2.
Variant type: Deletion.
Coding change: c.1265del on transcript NM_017654.4 (MANE Select); coding-DNA position 1265, one base deleted (C; older notation c.1265delC).
Protein change: p.Pro422fs; shifts the reading frame from proline 422.
Molecular consequence: frameshift variant.
Genome position (GRCh38, 1-based): chr7:93,104,833, G deleted on the plus strand (C on the coding strand, the reverse complement: SAMD9 is on the minus strand); the first of 3 consecutive G bases (chr7:93,104,833-93,104,835); deleting any one gives the same sequence. VCF-style (leftmost placement, unchanged base first): chr7-93104832-TG-T. GRCh37 (hg19) VCF-style: chr7-92734145-TG-T.
Other names: c.1265del, p.Pro422fs (NM_001193307.2); short protein forms P422fs.
Identifiers: ClinVar variation 2579477 (VCV002579477.3), dbSNP rs1487809527, ClinGen allele CA576706782.

ClinVar aggregate classification (germline): Uncertain significance. Review status: criteria provided, multiple submitters, no conflicts (2 of 4 stars). 2 submissions from 2 submitters: Uncertain significance (2). Last evaluated 2024-09-23.

Submissions (2):

Labcorp Genetics (formerly Invitae), Labcorp
Classification: Uncertain significance. Last evaluated: 2024-09-23. Review status: criteria provided, single submitter. Criteria: Invitae Variant Classification Sherloc (09022015). Collection method: clinical testing. Allele origin: germline.
Comment: This sequence change creates a premature translational stop signal (p.Pro422Glnfs*7) in the SAMD9 gene. While this is not anticipated to result in nonsense mediated decay, it is expected to disrupt the last 1168 amino acid(s) of the SAMD9 protein. This variant is present in population databases (no rsID available, gnomAD 0.02%). This variant has not been reported in the literature in individuals affected with SAMD9-related conditions. ClinVar contains an entry for this variant (Variation ID: 2579477). In summary, the available evidence is currently insufficient to determine the role of this variant in disease. Therefore, it has been classified as a Variant of Uncertain Significance.

GeneDx
Classification: Uncertain significance. Last evaluated: 2023-03-07. Review status: criteria provided, single submitter. Criteria: GeneDx Variant Classification Process June 2021. Collection method: clinical testing. Allele origin: germline. Affected: yes.
Comment: Frameshift variant predicted to result in protein truncation, as the last 1168 amino acids are replaced with 6 different amino acids, and other loss-of-function variants have been reported downstream in HGMD; Has not been previously published as pathogenic or benign to our knowledge; This variant is associated with the following publications: (PMID: 28545555)